The following is an entry in ClinVar:

NM_005228.5(EGFR):c.1972C>G (p.Leu658Val)

Gene: EGFR (epidermal growth factor receptor; plus strand). Cytogenetic location: 7p11.2.
Variant type: single nucleotide variant.
Coding change: c.1972C>G on transcript NM_005228.5 (MANE Select); coding-DNA position 1972, C replaced by G.
Protein change: p.Leu658Val; replaces leucine 658 with valine.
Molecular consequence: missense variant.
Genome position (GRCh38, 1-based): chr7:55,173,035, C>G. VCF-style: chr7-55173035-C-G. GRCh37 (hg19) VCF-style: chr7-55240728-C-G.
Other names: c.1837C>G, p.Leu613Val (NM_001346897.2, NM_001346899.2); c.1972C>G, p.Leu658Val (NM_001346898.2); c.1813C>G, p.Leu605Val (NM_001346900.2); c.1171C>G, p.Leu391Val (NM_001346941.2); short protein forms L391V, L605V, L658V, L613V.
Identifiers: ClinVar variation 2134716 (VCV002134716.4), dbSNP rs2128952490, ClinGen allele CA367583031.

ClinVar aggregate classification (germline): Uncertain significance (1 of 4 stars; one submission).

Conditions:
EGFR-related lung cancer (EGFR). Identifiers: MedGen CN130014.

Submission:

Labcorp Genetics (formerly Invitae), Labcorp
Classification: Uncertain significance for EGFR-related lung cancer. Last evaluated: 2022-05-06. Review status: criteria provided, single submitter. Criteria: Invitae Variant Classification Sherloc (09022015). Collection method: clinical testing. Allele origin: germline.
Comment: This variant has not been reported in the literature in individuals affected with EGFR-related conditions. This variant is not present in population databases (gnomAD no frequency). This sequence change replaces leucine, which is neutral and non-polar, with valine, which is neutral and non-polar, at codon 658 of the EGFR protein (p.Leu658Val). In summary, the available evidence is currently insufficient to determine the role of this variant in disease. Therefore, it has been classified as a Variant of Uncertain Significance. Algorithms developed to predict the effect of missense changes on protein structure and function output the following: SIFT: "Tolerated"; PolyPhen-2: "Benign"; Align-GVGD: "Class C0". The valine amino acid residue is found in multiple mammalian species, which suggests that this missense change does not adversely affect protein function.